The following is an entry in ClinVar:

NM_004329.3(BMPR1A):c.*9C>A

Gene: BMPR1A (bone morphogenetic protein receptor type 1A; plus strand). Cytogenetic location: 10q23.2.
Variant type: single nucleotide variant.
Coding change: c.*9C>A on transcript NM_004329.3 (MANE Select); 9 bases downstream of the stop codon, C replaced by A.
Molecular consequence: 3 prime UTR variant. On other transcripts: non-coding transcript variant (3).
Genome position (GRCh38, 1-based): chr10:86,923,728, C>A. VCF-style: chr10-86923728-C-A. GRCh37 (hg19) VCF-style: chr10-88683485-C-A.
Other names: c.*9C>A (NM_001406572.1, NM_001406573.1, NM_001406574.1 and 28 more transcripts).
Identifiers: ClinVar variation 3378489 (VCV003378489.3).

ClinVar aggregate classification (germline): Conflicting classifications of pathogenicity. Review status: criteria provided, conflicting classifications (1 of 4 stars). 2 submissions from 2 submitters: Uncertain significance (1); Benign (1). Last evaluated 2025-04-24.

Conditions:
Juvenile polyposis syndrome (JPS). Identifiers: Orphanet 2929, MedGen C0345893, MONDO:0017380, OMIM 174900.

gnomAD v4.1: 1 of 1,612,742 alleles (0.000062%); highest among the groups gnomAD compares: African/African-American, 0.0013%; no homozygotes.

Submissions (2):

Women's Health and Genetics/Laboratory Corporation of America, LabCorp
Classification: Uncertain significance. Last evaluated: 2025-04-24. Review status: criteria provided, single submitter. Criteria: LabCorp Variant Classification Summary - May 2015. Collection method: clinical testing. Allele origin: germline.

Myriad Genetics, Inc.
Classification: Benign for Juvenile polyposis syndrome. Last evaluated: 2024-09-25. Review status: criteria provided, single submitter. Criteria: Myriad Autosomal Dominant, Autosomal Recessive and X-Linked Classification Criteria (2023). Collection method: clinical testing. Allele origin: unknown.
Comment: This variant is considered benign. This variant occurs in the non-coding 3' untranslated region of the gene, and is not expected to impact protein function.